The following is an entry in ClinVar:

NM_005655.4(KLF10):c.1199G>A (p.Ser400Asn)

Gene: KLF10 (KLF transcription factor 10; minus strand). Cytogenetic location: 8q22.3.
Variant type: single nucleotide variant.
Coding change: c.1199G>A on transcript NM_005655.4 (MANE Select); coding-DNA position 1199, G replaced by A.
Protein change: p.Ser400Asn; replaces serine 400 with asparagine.
Molecular consequence: missense variant. On other transcripts: non-coding transcript variant (2).
Genome position (GRCh38, 1-based): chr8:102,650,376, C>T on the plus strand (G>A on the coding strand, the complement: KLF10 is on the minus strand). VCF-style: chr8-102650376-C-T. GRCh37 (hg19) VCF-style: chr8-103662604-C-T.
Other names: c.1166G>A, p.Ser389Asn (NM_001032282.4); short protein forms S389N, S400N.
Identifiers: ClinVar variation 1351994 (VCV001351994.6), dbSNP rs1827176198, ClinGen allele CA371623265.
Genomic context (GRCh38, chr8:102,650,376, plus strand): 5'-CTGTGTCTGGACAGTTCATCAGAACGGGCAAACCTCCTTTCACAACCTTTCCAGCTACAG[C>T]TGAAAGGCTTTTCTCCTAAAACAAAGACATACAAATCATTATTATGCATAAGATTGCCGT-3'
Protein context (NP_005646.1, residues 390-410): TRTHTGEKPF[Ser400Asn]CSWKGCERRF

ClinVar aggregate classification (germline): Uncertain significance (1 of 4 stars; one submission).

Allele frequency attached by ClinVar (database versions not stated): gnomAD exomes below 0.00001.
gnomAD v4.1: 1 of 1,612,904 alleles (0.000062%); highest among the groups gnomAD compares: South Asian, 0.0011%; no homozygotes.

Submission:

Labcorp Genetics (formerly Invitae), Labcorp
Classification: Uncertain significance. Last evaluated: 2021-11-16. Review status: criteria provided, single submitter. Criteria: Invitae Variant Classification Sherloc (09022015). Collection method: clinical testing. Allele origin: germline.
Comment: Algorithms developed to predict the effect of missense changes on protein structure and function are either unavailable or do not agree on the potential impact of this missense change (SIFT: "Deleterious"; PolyPhen-2: "Probably Damaging"; Align-GVGD: "Class C0"). In summary, the available evidence is currently insufficient to determine the role of this variant in disease. Therefore, it has been classified as a Variant of Uncertain Significance. This sequence change replaces serine, which is neutral and polar, with asparagine, which is neutral and polar, at codon 400 of the KLF10 protein (p.Ser400Asn). This variant is not present in population databases (gnomAD no frequency). This variant has not been reported in the literature in individuals affected with KLF10-related conditions.